The following is an entry in ClinVar:

ClinVar aggregate classification (germline): Uncertain significance (1 of 4 stars; one submission).

Conditions:
Muscular dystrophy-dystroglycanopathy (congenital with impaired intellectual development), type B, 2. Also called: Muscular dystrophy-dystroglycanopathy (congenital with intellectual disability), type B2; MUSCULAR DYSTROPHY, CONGENITAL, POMT2-RELATED. Identifiers: MedGen C3150416, MONDO:0013160, OMIM 613156.
Autosomal recessive limb-girdle muscular dystrophy type 2N. Also called: MUSCULAR DYSTROPHY-DYSTROGLYCANOPATHY, LIMB-GIRDLE, POMT2-RELATED; Muscular dystrophy-dystroglycanopathy (limb-girdle), type C, 2. Identifiers: Orphanet 206559, MedGen C3150418, MONDO:0013162, OMIM 613158.
Muscular dystrophy-dystroglycanopathy (congenital with brain and eye anomalies), type A2. Also called: MUSCULAR DYSTROPHY-DYSTROGLYCANOPATHY (CONGENITAL WITH BRAIN AND EYE ANOMALIES), TYPE A, 2; WALKER-WARBURG SYNDROME OR MUSCLE-EYE-BRAIN DISEASE, POMT2-RELATED. Identifiers: Orphanet 588, Orphanet 899, MedGen C3150411, MONDO:0013154, OMIM 613150.

Submission:

Labcorp Genetics (formerly Invitae), Labcorp
Classification: Uncertain significance for Muscular dystrophy-dystroglycanopathy (congenital with impaired intellectual development), type B, 2; Muscular dystrophy-dystroglycanopathy (congenital with brain and eye anomalies), type A2; Autosomal recessive limb-girdle muscular dystrophy type 2N. Last evaluated: 2022-08-16. Review status: criteria provided, single submitter. Criteria: Invitae Variant Classification Sherloc (09022015). Collection method: clinical testing. Allele origin: germline.
Comment: In summary, the available evidence is currently insufficient to determine the role of this variant in disease. Therefore, it has been classified as a Variant of Uncertain Significance. Algorithms developed to predict the effect of missense changes on protein structure and function (SIFT, PolyPhen-2, Align-GVGD) all suggest that this variant is likely to be disruptive. This sequence change replaces leucine, which is neutral and non-polar, with valine, which is neutral and non-polar, at codon 195 of the POMT2 protein (p.Leu195Val). ClinVar contains an entry for this variant (Variation ID: 1503976). This variant has not been reported in the literature in individuals affected with POMT2-related conditions. This variant is not present in population databases (gnomAD no frequency).

NM_013382.7(POMT2):c.583C>G (p.Leu195Val)

Gene: POMT2 (protein O-mannosyltransferase 2; minus strand). Cytogenetic location: 14q24.3.
Variant type: single nucleotide variant.
Coding change: c.583C>G on transcript NM_013382.7 (MANE Select); coding-DNA position 583, C replaced by G.
Protein change: p.Leu195Val; replaces leucine 195 with valine.
Molecular consequence: missense variant.
Genome position (GRCh38, 1-based): chr14:77,302,908, G>C on the plus strand (C>G on the coding strand, the complement: POMT2 is on the minus strand). VCF-style: chr14-77302908-G-C. GRCh37 (hg19) VCF-style: chr14-77769251-G-C.
Other names: short protein forms L195V.
Identifiers: ClinVar variation 1503976 (VCV001503976.8), dbSNP rs2139487023, ClinGen allele CA390520579.
Genomic context (GRCh38, chr14:77,302,908, plus strand): 5'-AGTTGTACTTGACCATGCTCAGCATGGCAGCCATGATGAAGAACATCAGGATGGGGTCAA[G>C]GAGGATGTACTGGGACAGAGTGAGGCATCCCGTGTCTGAAAAACATGAGCTCGCTGGTGA-3'
Protein context (NP_037514.2, residues 185-205): GCLTLSQYIL[Leu195Val]DPILMFFIMA